The following is an entry in ClinVar:

NM_001080517.3(SETD5):c.2093A>G (p.Lys698Arg)

Gene: SETD5 (SET domain containing 5; plus strand). Cytogenetic location: 3p25.3.
Variant type: single nucleotide variant.
Coding change: c.2093A>G on transcript NM_001080517.3 (MANE Select); coding-DNA position 2093, A replaced by G.
Protein change: p.Lys698Arg; replaces lysine 698 with arginine.
Molecular consequence: missense variant.
Genome position (GRCh38, 1-based): chr3:9,447,996, A>G. VCF-style: chr3-9447996-A-G. GRCh37 (hg19) VCF-style: chr3-9489680-A-G.
Other names: c.1799A>G, p.Lys600Arg (NM_001292043.2, NM_001349451.2); short protein forms K600R, K698R.
Identifiers: ClinVar variation 3381518 (VCV003381518.1).
Genomic context (GRCh38, chr3:9,447,996, plus strand): 5'-ACCCAACTGTGGTGTCAATTACTGGATCCCATGTCAACCGTGCTGCATCTAAATACCCCA[A>G]AACCAAAAAGGTAAGTCACAAATGCATCCTTTATAAGTCCAGTCTGGCAAGGGCTGTCTT-3'
Protein context (NP_001073986.1, residues 688-708): HVNRAASKYP[Lys698Arg]TKKYLVTEWL

ClinVar aggregate classification (germline): Uncertain significance (1 of 4 stars; one submission).

Submission:

GeneDx
Classification: Uncertain significance. Last evaluated: 2024-05-20. Review status: criteria provided, single submitter. Criteria: GeneDx Variant Classification Process June 2021. Collection method: clinical testing. Allele origin: germline. Affected: yes.
Comment: Not observed at significant frequency in large population cohorts (gnomAD); In silico analysis indicates that this missense variant does not alter protein structure/function; Has not been previously published as pathogenic or benign to our knowledge